The following is an entry in ClinVar:

ClinVar aggregate classification (germline): Uncertain significance. Review status: criteria provided, multiple submitters, no conflicts (2 of 4 stars). 3 submissions from 3 submitters: Uncertain significance (3). Last evaluated 2025-12-10.

Conditions:
Gorlin syndrome. Also called: Nevoid Basal Cell Carcinoma Syndrome; Basal cell nevus syndrome. Identifiers: Orphanet 377, MedGen C0004779, MONDO:0007187.
Hereditary cancer-predisposing syndrome. Also called: Hereditary neoplastic syndrome; Neoplastic Syndromes, Hereditary; Tumor predisposition; Hereditary Cancer Syndrome. Identifiers: Orphanet 140162, MedGen C0027672, MeSH D009386, MONDO:0015356.

Allele frequency attached by ClinVar (database versions not stated): gnomAD exomes below 0.00001; ExAC 0.00001.
gnomAD v4.1: 3 of 1,613,886 alleles (0.00019%); highest among the groups gnomAD compares: South Asian, 0.0033%; no homozygotes.

Submissions (3):

Labcorp Genetics (formerly Invitae), Labcorp
Classification: Uncertain significance for Gorlin syndrome. Last evaluated: 2025-12-10. Review status: criteria provided, single submitter. Criteria: Invitae Variant Classification Sherloc (09022015). Collection method: clinical testing. Allele origin: germline.
Comment: This sequence change replaces aspartic acid, which is acidic and polar, with glycine, which is neutral and non-polar, at codon 1411 of the PTCH1 protein (p.Asp1411Gly). This variant is present in population databases (rs774913538, gnomAD 0.003%). This variant has not been reported in the literature in individuals affected with PTCH1-related conditions. ClinVar contains an entry for this variant (Variation ID: 1040356). Invitae Evidence Modeling of protein sequence and biophysical properties (such as structural, functional, and spatial information, amino acid conservation, physicochemical variation, residue mobility, and thermodynamic stability) indicates that this missense variant is not expected to disrupt PTCH1 protein function with a negative predictive value of 95%. In summary, the available evidence is currently insufficient to determine the role of this variant in disease. Therefore, it has been classified as a Variant of Uncertain Significance.

Ambry Genetics
Classification: Uncertain significance for Hereditary cancer-predisposing syndrome. Last evaluated: 2023-12-05. Review status: criteria provided, single submitter. Criteria: Ambry Variant Classification Scheme 2023. Collection method: clinical testing. Allele origin: germline.
Comment: The p.D1411G variant (also known as c.4232A>G), located in coding exon 23 of the PTCH1 gene, results from an A to G substitution at nucleotide position 4232. The aspartic acid at codon 1411 is replaced by glycine, an amino acid with similar properties. This amino acid position is conserved. In addition, this alteration is predicted to be deleterious by in silico analysis. Since supporting evidence is limited at this time, the clinical significance of this alteration remains unclear.

GeneDx
Classification: Uncertain significance. Last evaluated: 2023-05-30. Review status: criteria provided, single submitter. Criteria: GeneDx Variant Classification Process June 2021. Collection method: clinical testing. Allele origin: germline. Affected: yes.
Comment: Not observed at significant frequency in large population cohorts (gnomAD); In silico analysis supports that this missense variant does not alter protein structure/function; Has not been previously published as pathogenic or benign to our knowledge

NM_000264.5(PTCH1):c.4232A>G (p.Asp1411Gly)

Gene: PTCH1 (patched 1; minus strand). Cytogenetic location: 9q22.32.
Variant type: single nucleotide variant.
Coding change: c.4232A>G on transcript NM_000264.5 (MANE Select); coding-DNA position 4232, A replaced by G.
Protein change: p.Asp1411Gly; replaces aspartic acid 1411 with glycine.
Molecular consequence: missense variant. On other transcripts: non-coding transcript variant (1).
Genome position (GRCh38, 1-based): chr9:95,447,024, T>C on the plus strand (A>G on the coding strand, the complement: PTCH1 is on the minus strand). VCF-style: chr9-95447024-T-C. GRCh37 (hg19) VCF-style: chr9-98209306-T-C.
Other names: c.4232A>G (NM_000264.3); c.4034A>G, p.Asp1345Gly (NM_001083602.3); c.4229A>G, p.Asp1410Gly (NM_001083603.3); c.3779A>G, p.Asp1260Gly (NM_001083604.3, NM_001083605.3, NM_001083606.3 and 1 more transcripts); c.4076A>G, p.Asp1359Gly (NM_001354918.2); short protein forms D1411G, D1345G, D1359G, D1260G, D1410G.
Identifiers: ClinVar variation 1040356 (VCV001040356.11), dbSNP rs774913538, ClinGen allele CA5137917.